The following is an entry in ClinVar:

ClinVar aggregate classification (germline): Uncertain significance. Review status: criteria provided, multiple submitters, no conflicts (2 of 4 stars). 2 submissions from 2 submitters: Uncertain significance (2). Last evaluated 2024-03-07.

Conditions:
Hereditary cancer-predisposing syndrome. Also called: Neoplastic Syndromes, Hereditary; Tumor predisposition; Hereditary Cancer Syndrome; Hereditary neoplastic syndrome. Identifiers: Orphanet 140162, MedGen C0027672, MeSH D009386, MONDO:0015356.
Pheochromocytoma. Also called: MAX-Related Hereditary Paraganglioma-Pheochromocytoma Syndrome. Identifiers: Orphanet 29072, MedGen C0031511, MONDO:0008233, OMIM 171300, HP:0002666.
Carney-Stratakis syndrome. Also called: PARAGANGLIOMA AND GASTROINTESTINAL STROMAL TUMOR. Identifiers: Orphanet 97286, MedGen C1847319, MONDO:0011740, OMIM 606864.
Cowden syndrome 3 (CWS3). Identifiers: Orphanet 201, MedGen CN166604, MONDO:0014045.
Paragangliomas with sensorineural hearing loss. Identifiers: MedGen C1868633.

Allele frequency attached by ClinVar (database versions not stated): gnomAD 0.00001.
gnomAD v4.1: 2 of 1,595,314 alleles (0.00013%); highest among the groups gnomAD compares: East Asian, 0.0045%; no homozygotes.

Submissions (2):

Labcorp Genetics (formerly Invitae), Labcorp
Classification: Uncertain significance for Carney-Stratakis syndrome; Paragangliomas with sensorineural hearing loss; Pheochromocytoma; Cowden syndrome 3. Last evaluated: 2024-03-07. Review status: criteria provided, single submitter. Criteria: Invitae Variant Classification Sherloc (09022015). Collection method: clinical testing. Allele origin: germline.
Comment: This sequence change replaces histidine, which is basic and polar, with proline, which is neutral and non-polar, at codon 56 of the SDHD protein (p.His56Pro). This variant is not present in population databases (gnomAD no frequency). This variant has not been reported in the literature in individuals affected with SDHD-related conditions. ClinVar contains an entry for this variant (Variation ID: 465223). An algorithm developed to predict the effect of missense changes on protein structure and function (PolyPhen-2) suggests that this variant is likely to be disruptive. In summary, the available evidence is currently insufficient to determine the role of this variant in disease. Therefore, it has been classified as a Variant of Uncertain Significance.

Ambry Genetics
Classification: Uncertain significance for Hereditary cancer-predisposing syndrome. Last evaluated: 2023-07-26. Review status: criteria provided, single submitter. Criteria: Ambry Variant Classification Scheme 2023. Collection method: clinical testing. Allele origin: germline.
Comment: The p.H56P variant (also known as c.167A>C), located in coding exon 2 of the SDHD gene, results from an A to C substitution at nucleotide position 167. The histidine at codon 56 is replaced by proline, an amino acid with similar properties. This amino acid position is conserved. In addition, the in silico prediction for this alteration is inconclusive. Since supporting evidence is limited at this time, the clinical significance of this alteration remains unclear.

NM_003002.4(SDHD):c.167A>C (p.His56Pro)

Gene: SDHD (succinate dehydrogenase complex subunit D; plus strand). Cytogenetic location: 11q23.1.
Variant type: single nucleotide variant.
Coding change: c.167A>C on transcript NM_003002.4 (MANE Select); coding-DNA position 167, A replaced by C.
Protein change: p.His56Pro; replaces histidine 56 with proline.
Molecular consequence: missense variant. On other transcripts: non-coding transcript variant (1), intron variant (1).
Genome position (GRCh38, 1-based): chr11:112,087,971, A>C. VCF-style: chr11-112087971-A-C. GRCh37 (hg19) VCF-style: chr11-111958695-A-C.
Other names: c.167A>C (NM_003002.2); c.167A>C, p.His56Pro (NM_001276503.2, NM_001276506.2); c.53-896A>C (NM_001276504.2); short protein forms H56P.
Identifiers: ClinVar variation 465223 (VCV000465223.7), dbSNP rs1555186817, ClinGen allele CA382617130.